The following is an entry in ClinVar:

ClinVar aggregate classification (germline): Benign/Likely benign. Review status: criteria provided, multiple submitters, no conflicts (2 of 4 stars). 2 submissions from 2 submitters: Benign (1); Likely benign (1). Last evaluated 2024-02-26.

Conditions:
Familial adenomatous polyposis 1 (FAP1). Also called: FAMILIAL ADENOMATOUS POLYPOSIS 1, ATTENUATED; POLYPOSIS, ADENOMATOUS INTESTINAL. Identifiers: MedGen C2713442, MONDO:0021056, OMIM 175100. Disease mechanism: loss of function.

Submissions (2):

Myriad Genetics, Inc.
Classification: Benign for Familial adenomatous polyposis 1. Last evaluated: 2024-02-26. Review status: criteria provided, single submitter. Criteria: Myriad Autosomal Dominant, Autosomal Recessive and X-Linked Classification Criteria (2023). Collection method: clinical testing. Allele origin: unknown.
Comment: This variant is considered benign. This variant is a silent/synonymous amino acid change and it is not expected to impact splicing.

Labcorp Genetics (formerly Invitae), Labcorp
Classification: Likely benign for Familial adenomatous polyposis 1. Last evaluated: 2022-09-02. Review status: criteria provided, single submitter. Criteria: Invitae Variant Classification Sherloc (09022015). Collection method: clinical testing. Allele origin: germline.

NM_000038.6(APC):c.633A>G (p.Glu211=)

Gene: APC (APC regulator of Wnt signaling pathway; plus strand). Cytogenetic location: 5q22.2.
Variant type: single nucleotide variant.
Coding change: c.633A>G on transcript NM_000038.6 (MANE Select); coding-DNA position 633, A replaced by G.
Protein change: p.Glu211=; no amino-acid change (glutamic acid 211 retained).
Molecular consequence: synonymous variant. On other transcripts: 5 prime UTR variant (4), non-coding transcript variant (2).
Genome position (GRCh38, 1-based): chr5:112,780,891, A>G. VCF-style: chr5-112780891-A-G. GRCh37 (hg19) VCF-style: chr5-112116588-A-G.
Other names: c.633A>G, p.Glu211= (NM_001127510.3, NM_001354895.2, NM_001354896.2 and 16 more transcripts); c.663A>G, p.Glu221= (NM_001127511.3, NM_001354897.2, NM_001354902.2 and 1 more transcripts); c.558A>G, p.Glu186= (NM_001354898.2, NM_001354904.2, NM_001407451.1); c.456A>G, p.Glu152= (NM_001354900.2, NM_001354901.2, NM_001354905.2 and 1 more transcripts); c.-403A>G (NM_001354906.2, NM_001407470.1, NM_001407471.1 and 1 more transcripts).
Identifiers: ClinVar variation 2028681 (VCV002028681.5), dbSNP rs2532490399, ClinGen allele CA445755524.
Genomic context (GRCh38, chr5:112,780,891, plus strand): 5'-TGAAGCAAGGCAAATCAGAGTTGCGATGGAAGAACAACTAGGTACCTGCCAGGATATGGA[A>G]AAACGAGCACAGGTAAGTTACTTGTTTCTAAGTGATAAAACAGCGAAGAGCTATTAGGAA-3'
Protein context (NP_000029.2, residues 201-221): EEQLGTCQDM[Glu211=]KRAQRRIARI